The following is an entry in ClinVar:

ClinVar aggregate classification (germline): Uncertain significance (1 of 4 stars; one submission).

Allele frequency attached by ClinVar (database versions not stated): gnomAD exomes 0.00003 and 0.00004; gnomAD 0.00004 and 0.00005; TOPMed 0.00006; ExAC 0.00009; ESP Exome Variant Server 0.00016; 1000 Genomes Project 0.00040; 1000 Genomes Project 30x 0.00047.
gnomAD v4.1: 45 of 1,608,970 alleles (0.0028%); highest among the groups gnomAD compares: African/African-American, 0.013%; no homozygotes.

Submission:

Labcorp Genetics (formerly Invitae), Labcorp
Classification: Uncertain significance. Last evaluated: 2024-01-23. Review status: criteria provided, single submitter. Criteria: Invitae Variant Classification Sherloc (09022015). Collection method: clinical testing. Allele origin: germline.
Comment: This sequence change replaces glutamic acid, which is acidic and polar, with lysine, which is basic and polar, at codon 1191 of the KIAA1549 protein (p.Glu1191Lys). This variant is present in population databases (rs182282554, gnomAD 0.03%). This variant has not been reported in the literature in individuals affected with KIAA1549-related conditions. ClinVar contains an entry for this variant (Variation ID: 953870). An algorithm developed to predict the effect of missense changes on protein structure and function (PolyPhen-2) suggests that this variant is likely to be disruptive. In summary, the available evidence is currently insufficient to determine the role of this variant in disease. Therefore, it has been classified as a Variant of Uncertain Significance.

NM_001164665.2(KIAA1549):c.3571G>A (p.Glu1191Lys)

Gene: KIAA1549 (KIAA1549; minus strand). Cytogenetic location: 7q34.
Variant type: single nucleotide variant.
Coding change: c.3571G>A on transcript NM_001164665.2 (MANE Select); coding-DNA position 3571, G replaced by A.
Protein change: p.Glu1191Lys; replaces glutamic acid 1191 with lysine.
Molecular consequence: missense variant.
Genome position (GRCh38, 1-based): chr7:138,903,686, C>T on the plus strand (G>A on the coding strand, the complement: KIAA1549 is on the minus strand). VCF-style: chr7-138903686-C-T. GRCh37 (hg19) VCF-style: chr7-138588432-C-T.
Other names: c.3571G>A, p.Glu1191Lys (NM_020910.3); short protein forms E1191K.
Identifiers: ClinVar variation 953870 (VCV000953870.10), dbSNP rs182282554, ClinGen allele CA4506179.
Genomic context (GRCh38, chr7:138,903,686, plus strand): 5'-TCCACATCCGCCTTCTGGTGGAAACCTCGCTGAGCAGCTGGGCCAGCTTGCGTTCCATCT[C>T]GGCTTGAAACACTTCATTCTGGAGTTGCTTCTCCATGACGCCCAGGAGAACTACATTTAA-3'
Protein context (NP_001158137.1, residues 1181-1201): KQLQNEVFQA[Glu1191Lys]MERKLAQLLS